The following is an entry in ClinVar:

ClinVar aggregate classification (germline): Uncertain significance (1 of 4 stars; one submission).

Allele frequency attached by ClinVar (database versions not stated): TOPMed below 0.00001; ExAC 0.00001; gnomAD exomes 0.00002.

Submission:

GeneDx
Classification: Uncertain significance. Last evaluated: 2023-03-02. Review status: criteria provided, single submitter. Criteria: GeneDx Variant Classification Process June 2021. Collection method: clinical testing. Allele origin: germline. Affected: yes.
Comment: Observed in one individual with schizophrenia in published literature (Gauthier et al., 2010); In silico analysis supports that this missense variant does not alter protein structure/function; This variant is associated with the following publications: (PMID: 20385823)

NM_001372044.2(SHANK3):c.3626C>A (p.Pro1209His)

Gene: SHANK3 (SH3 and multiple ankyrin repeat domains 3; plus strand). Cytogenetic location: 22q13.33.
Variant type: single nucleotide variant.
Coding change: c.3626C>A on transcript NM_001372044.2 (MANE Select); coding-DNA position 3626, C replaced by A.
Protein change: p.Pro1209His; replaces proline 1209 with histidine.
Molecular consequence: missense variant.
Genome position (GRCh38, 1-based): chr22:50,721,234, C>A. VCF-style: chr22-50721234-C-A. GRCh37 (hg19) VCF-style: chr22-51159662-C-A.
Other names: c.3401C>A, p.Pro1134His (NM_033517.1); short protein forms P1134H, P1209H.
Identifiers: ClinVar variation 2578280 (VCV002578280.1), dbSNP rs769454362, ClinGen allele CA10326018.